The following is an entry in ClinVar:

ClinVar aggregate classification (germline): Uncertain significance (1 of 4 stars; one submission).

gnomAD v4.1: 2 of 1,612,842 alleles (0.00012%); highest among the groups gnomAD compares: Admixed American, 0.0017%; no homozygotes.

Submission:

GeneDx
Classification: Uncertain significance. Last evaluated: 2025-10-03. Review status: criteria provided, single submitter. Criteria: GeneDx Variant Classification Process June 2021. Collection method: clinical testing. Allele origin: germline.
Comment: Not observed at significant frequency in large population cohorts (gnomAD); In silico analysis supports that this missense variant has a deleterious effect on protein structure/function; Has not been previously published as pathogenic or benign to our knowledge

NM_004521.3(KIF5B):c.1260G>C (p.Lys420Asn)

Gene: KIF5B (kinesin family member 5B; minus strand). Cytogenetic location: 10p11.22.
Variant type: single nucleotide variant.
Coding change: c.1260G>C on transcript NM_004521.3 (MANE Select); coding-DNA position 1260, G replaced by C.
Protein change: p.Lys420Asn; replaces lysine 420 with asparagine.
Molecular consequence: missense variant.
Genome position (GRCh38, 1-based): chr10:32,033,890, C>G on the plus strand (G>C on the coding strand, the complement: KIF5B is on the minus strand). VCF-style: chr10-32033890-C-G. GRCh37 (hg19) VCF-style: chr10-32322818-C-G.
Other names: short protein forms K420N.
Identifiers: ClinVar variation 3359832 (VCV003359832.2).